The following is an entry in ClinVar:

ClinVar aggregate classification (germline): Uncertain significance (1 of 4 stars; one submission).

Conditions:
PKD1-related disorder. Also called: PKD1-related condition.

gnomAD v4.1: 1 of 1,586,068 alleles (0.000063%); highest among the groups gnomAD compares: Non-Finnish European, 0.000086%; no homozygotes.

Submission:

PreventionGenetics, part of Exact Sciences
Classification: Uncertain significance for PKD1-related condition. Last evaluated: 2025-12-08. Review status: criteria provided, single submitter. Criteria: ACMG Guidelines, 2015. Collection method: clinical testing. Allele origin: germline.
Comment: The PKD1 c.5914A>G variant is predicted to result in the amino acid substitution p.Ser1972Gly. To our knowledge, this variant has not been reported in the literature. This variant is reported in 0.00095% of alleles in individuals of European (Non-Finnish) descent in gnomAD. At this time, the clinical significance of this variant is uncertain due to the absence of conclusive functional and genetic evidence.

NM_001009944.3(PKD1):c.5914A>G (p.Ser1972Gly)

Gene: PKD1 (polycystin 1, transient receptor potential channel interacting; minus strand). Cytogenetic location: 16p13.3.
Variant type: single nucleotide variant.
Coding change: c.5914A>G on transcript NM_001009944.3 (MANE Select); coding-DNA position 5914, A replaced by G.
Protein change: p.Ser1972Gly; replaces serine 1972 with glycine.
Molecular consequence: missense variant.
Genome position (GRCh38, 1-based): chr16:2,109,253, T>C on the plus strand (A>G on the coding strand, the complement: PKD1 is on the minus strand). VCF-style: chr16-2109253-T-C. GRCh37 (hg19) VCF-style: chr16-2159254-T-C.
Other names: c.5914A>G, p.Ser1972Gly (NM_000296.4); short protein forms S1972G.
Identifiers: ClinVar variation 4993603 (VCV004993603.1).